The following is an entry in ClinVar:

NM_004369.4(COL6A3):c.2945A>C (p.Glu982Ala)

Gene: COL6A3 (collagen type VI alpha 3 chain; minus strand). Cytogenetic location: 2q37.3.
Variant type: single nucleotide variant.
Coding change: c.2945A>C on transcript NM_004369.4 (MANE Select); coding-DNA position 2945, A replaced by C.
Protein change: p.Glu982Ala; replaces glutamic acid 982 with alanine.
Molecular consequence: missense variant.
Genome position (GRCh38, 1-based): chr2:237,376,897, T>G on the plus strand (A>C on the coding strand, the complement: COL6A3 is on the minus strand). VCF-style: chr2-237376897-T-G. GRCh37 (hg19) VCF-style: chr2-238285540-T-G.
Other names: c.1724A>C, p.Glu575Ala (NM_057164.5); c.2327A>C, p.Glu776Ala (NM_057165.5, NM_057167.4); c.1124A>C, p.Glu375Ala (NM_057166.5); short protein forms E375A, E776A, E982A, E575A.
Identifiers: ClinVar variation 860783 (VCV000860783.12), dbSNP rs2077857997, ClinGen allele CA351207587.

ClinVar aggregate classification (germline): Uncertain significance (1 of 4 stars; one submission).

Conditions:
Bethlem myopathy 1A. Also called: MYOPATHY, BENIGN CONGENITAL, WITH CONTRACTURES; Bethlem myopathy 1; Bethlem Muscular Dystrophy. Identifiers: Orphanet 610, MedGen CN029274, MONDO:0024530, OMIM 158810.

Submission:

Labcorp Genetics (formerly Invitae), Labcorp
Classification: Uncertain significance for Bethlem myopathy 1A. Last evaluated: 2020-03-18. Review status: criteria provided, single submitter. Criteria: Invitae Variant Classification Sherloc (09022015). Collection method: clinical testing. Allele origin: germline.
Comment: This sequence change replaces glutamic acid with alanine at codon 982 of the COL6A3 protein (p.Glu982Ala). The glutamic acid residue is highly conserved and there is a moderate physicochemical difference between glutamic acid and alanine. In summary, the available evidence is currently insufficient to determine the role of this variant in disease. Therefore, it has been classified as a Variant of Uncertain Significance. Algorithms developed to predict the effect of missense changes on protein structure and function (SIFT, PolyPhen-2, Align-GVGD) all suggest that this variant is likely to be disruptive, but these predictions have not been confirmed by published functional studies and their clinical significance is uncertain. This variant has not been reported in the literature in individuals with COL6A3-related conditions. This variant is not present in population databases (ExAC no frequency).